The following is an entry in ClinVar:

NM_001123385.2(BCOR):c.3153G>A (p.Trp1051Ter)

Gene: BCOR (BCL6 corepressor; minus strand). Cytogenetic location: Xp11.4.
Variant type: single nucleotide variant.
Coding change: c.3153G>A on transcript NM_001123385.2 (MANE Select); coding-DNA position 3153, G replaced by A.
Protein change: p.Trp1051Ter; replaces tryptophan 1051 with a stop codon.
Molecular consequence: nonsense.
Genome position (GRCh38, 1-based): chrX:40,071,058, C>T on the plus strand (G>A on the coding strand, the complement: BCOR is on the minus strand). VCF-style: chrX-40071058-C-T. GRCh37 (hg19) VCF-style: chrX-39930311-C-T.
Other names: c.3153G>A, p.Trp1051Ter (NM_001123383.2, NM_017745.6); c.3099G>A, p.Trp1033Ter (NM_001123384.2); short protein forms W1051*, W1033*.
Identifiers: ClinVar variation 2152340 (VCV002152340.5), dbSNP rs2519849358, ClinGen allele CA412740601.

ClinVar aggregate classification (germline): Pathogenic. Review status: criteria provided, multiple submitters, no conflicts (2 of 4 stars). 2 submissions from 2 submitters: Pathogenic (2). Last evaluated 2025-05-12.

Conditions:
Oculofaciocardiodental syndrome (MCOPS2). Identifiers: Orphanet 2712, MedGen C1846265, MONDO:0010261, OMIM 300166.
BCOR-related disorder. Also called: BCOR-related disorders; BCOR-related condition.

Submissions (2):

PreventionGenetics, part of Exact Sciences
Classification: Pathogenic for BCOR-related condition. Last evaluated: 2025-05-12. Review status: criteria provided, single submitter. Criteria: ACMG Guidelines, 2015. Collection method: clinical testing. Allele origin: germline.
Comment: The BCOR c.3153G>A variant is predicted to result in premature protein termination (p.Trp1051*). This variant has also been reported as de novo in several large cohort studies of developmental disorders (Fitzgerald et al. 2015. PubMed ID: 25533962; Table S2, Kosmicki et al. 2017. PubMed ID: 28191890; Table S2, Turner et al. 2019. PubMed ID: 31785789). This variant is absent in a large population database (gnomAD), indicating this variant is rare. Nonsense variants in BCOR are an established mechanism of disease. This variant is interpreted as pathogenic.

Labcorp Genetics (formerly Invitae), Labcorp
Classification: Pathogenic for Oculofaciocardiodental syndrome. Last evaluated: 2022-09-16. Review status: criteria provided, single submitter. Criteria: Invitae Variant Classification Sherloc (09022015). Collection method: clinical testing. Allele origin: germline.
Comment: This sequence change creates a premature translational stop signal (p.Trp1051*) in the BCOR gene. It is expected to result in an absent or disrupted protein product. Loss-of-function variants in BCOR are known to be pathogenic (PMID: 15004558, 19367324). This variant is not present in population databases (gnomAD no frequency). This premature translational stop signal has been observed in individual(s) with clinical features of oculofaciocardiodental syndrome (PMID: 29974297). For these reasons, this variant has been classified as Pathogenic.

Literature cited by the submitters: PubMed 15004558 (cited by Labcorp Genetics (formerly Invitae), Labcorp); PubMed 19367324 (cited by Labcorp Genetics (formerly Invitae), Labcorp); PubMed 29974297 (cited by Labcorp Genetics (formerly Invitae), Labcorp).